The following is an entry in ClinVar:

ClinVar aggregate classification (germline): Uncertain significance. Review status: criteria provided, multiple submitters, no conflicts (2 of 4 stars). 5 submissions from 5 submitters: Uncertain significance (5). Last evaluated 2026-08-04.

Conditions:
NPHP1-related disorder. Also called: NPHP1-related condition; NPHP1-related disorders.
Inborn genetic diseases. Identifiers: MedGen C0950123, MeSH D030342.
Nephronophthisis. Also called: Juvenile Nephronophthisis. Identifiers: Orphanet 655, MedGen C0687120, MONDO:0019005, HP:0000090.

Allele frequency attached by ClinVar (database versions not stated): gnomAD exomes 0.00003; ExAC 0.00005; TOPMed 0.00014; gnomAD 0.00016 and 0.00019; ESP Exome Variant Server 0.00023.
gnomAD v4.1: 45 of 1,603,848 alleles (0.0028%); highest among the groups gnomAD compares: African/African-American, 0.058%; no homozygotes.

Submissions (5):

PreventionGenetics, part of Exact Sciences
Classification: Uncertain significance for NPHP1-related condition. Last evaluated: 2026-08-04. Review status: criteria provided, single submitter. Criteria: ACMG Guidelines, 2015. Collection method: clinical testing. Allele origin: germline.
Comment: The NPHP1 c.619C>G variant is predicted to result in the amino acid substitution p.Leu207Val. To our knowledge, this variant has not been reported in the literature. This variant is reported in 0.064% of alleles in individuals of African descent in gnomAD, which may be too frequent to be a primary cause of disease. At this time, the clinical significance of this variant is uncertain due to the absence of conclusive functional and genetic evidence.

Ambry Genetics
Classification: Uncertain significance for Inborn genetic diseases. Last evaluated: 2025-05-20. Review status: criteria provided, single submitter. Criteria: Ambry Variant Classification Scheme 2023. Collection method: clinical testing. Allele origin: germline.

GeneDx
Classification: Uncertain significance. Last evaluated: 2024-11-11. Review status: criteria provided, single submitter. Criteria: GeneDx Variant Classification Process June 2021. Collection method: clinical testing. Allele origin: germline. Affected: yes.
Comment: In silico analysis indicates that this missense variant does not alter protein structure/function; Has not been previously published as pathogenic or benign to our knowledge

Labcorp Genetics (formerly Invitae), Labcorp
Classification: Uncertain significance for Nephronophthisis. Last evaluated: 2022-06-13. Review status: criteria provided, single submitter. Criteria: Invitae Variant Classification Sherloc (09022015). Collection method: clinical testing. Allele origin: germline.
Comment: This sequence change replaces leucine, which is neutral and non-polar, with valine, which is neutral and non-polar, at codon 207 of the NPHP1 protein (p.Leu207Val). This variant is present in population databases (rs144088139, gnomAD 0.07%). This variant has not been reported in the literature in individuals affected with NPHP1-related conditions. ClinVar contains an entry for this variant (Variation ID: 291282). Algorithms developed to predict the effect of missense changes on protein structure and function output the following: SIFT: "Tolerated"; PolyPhen-2: "Benign"; Align-GVGD: "Class C0". The valine amino acid residue is found in multiple mammalian species, which suggests that this missense change does not adversely affect protein function. In summary, the available evidence is currently insufficient to determine the role of this variant in disease. Therefore, it has been classified as a Variant of Uncertain Significance.

Eurofins Ntd Llc (ga)
Classification: Uncertain significance. Last evaluated: 2016-09-23. Review status: criteria provided, single submitter. Criteria: EGL Classification Definitions 2015. Collection method: clinical testing. Allele origin: germline. Observed: 1 variant allele, 1 heterozygote.

NM_001128178.3(NPHP1):c.619C>G (p.Leu207Val)

Gene: NPHP1 (nephrocystin 1; minus strand). Cytogenetic location: 2q13.
Variant type: single nucleotide variant.
Coding change: c.619C>G on transcript NM_001128178.3 (MANE Select); coding-DNA position 619, C replaced by G.
Protein change: p.Leu207Val; replaces leucine 207 with valine.
Molecular consequence: missense variant.
Genome position (GRCh38, 1-based): chr2:110,168,457, G>C on the plus strand (C>G on the coding strand, the complement: NPHP1 is on the minus strand). VCF-style: chr2-110168457-G-C. GRCh37 (hg19) VCF-style: chr2-110926034-G-C.
Other names: c.619C>G, p.Leu207Val (NM_000272.5, NM_001374256.1, NM_001374257.1 and 1 more transcripts); c.433C>G, p.Leu145Val (NM_001128179.3); short protein forms L207V, L145V.
Identifiers: ClinVar variation 291282 (VCV000291282.17), dbSNP rs144088139, ClinGen allele CA1827345.
Genomic context (GRCh38, chr2:110,168,457, plus strand): 5'-TTAAAAGCGAAAAAAAAAAAAGTCTTAGAAAAGGAAGGCATAAACCAAGACTAACCTCTA[G>C]GTAGGTTCTGGGAACAAGACCTTCATTTCCTTTGGCATCCTTAGCTATCCACCAACCATC-3'
Protein context (NP_001121650.1, residues 197-217): GNEGLVPRTY[Leu207Val]EPYSEEEEGQ